The following is an entry in ClinVar:

ClinVar aggregate classification (germline): Benign/Likely benign. Review status: criteria provided, multiple submitters, no conflicts (2 of 4 stars). 2 submissions from 2 submitters: Benign (1); Likely benign (1). Last evaluated 2025-07-07.

Conditions:
Early-infantile DEE. Also called: Ohtahara syndrome; Early infantile epileptic encephalopathy; Early infantile epileptic encephalopathy with suppression bursts. Identifiers: Orphanet 1934, MedGen C0393706, MONDO:0800491.

Allele frequency attached by ClinVar (database versions not stated): gnomAD 0.00006 and 0.00005; TOPMed 0.00006; ExAC 0.00007; gnomAD exomes 0.00009 and 0.00004.
gnomAD v4.1: 62 of 1,614,076 alleles (0.0038%); highest among the groups gnomAD compares: East Asian, 0.06%; no homozygotes.

Submissions (2):

Labcorp Genetics (formerly Invitae), Labcorp
Classification: Benign for Early-infantile DEE. Last evaluated: 2025-07-07. Review status: criteria provided, single submitter. Criteria: Invitae Variant Classification Sherloc (09022015). Collection method: clinical testing. Allele origin: germline.

CeGaT Center for Human Genetics Tuebingen
Classification: Likely benign. Last evaluated: 2025-03-01. Review status: criteria provided, single submitter. Criteria: CeGaT Center For Human Genetics Tuebingen Variant Classification Criteria Version 2. Collection method: clinical testing. Allele origin: germline. Affected: yes. Observed: 1 variant allele.
Comment: SCN1A: BP4, BP7

NM_001165963.4(SCN1A):c.69G>A (p.Ala23=)

Gene: SCN1A (sodium voltage-gated channel alpha subunit 1; minus strand). Cytogenetic location: 2q24.3.
Variant type: single nucleotide variant.
Coding change: c.69G>A on transcript NM_001165963.4 (MANE Select); coding-DNA position 69, G replaced by A.
Protein change: p.Ala23=; no amino-acid change (alanine 23 retained).
Molecular consequence: synonymous variant. On other transcripts: 5 prime UTR variant (1), non-coding transcript variant (1).
Genome position (GRCh38, 1-based): chr2:166,073,553, C>T on the plus strand (G>A on the coding strand, the complement: SCN1A is on the minus strand). VCF-style: chr2-166073553-C-T. GRCh37 (hg19) VCF-style: chr2-166930063-C-T.
Other names: c.69G>A, p.Ala23= (NM_001165964.3, NM_001202435.3, NM_001353948.2 and 10 more transcripts); c.-2357G>A (NM_001353961.2).
Identifiers: ClinVar variation 1164488 (VCV001164488.17), dbSNP rs780729477, ClinGen allele CA1943573.